The following is an entry in ClinVar:

ClinVar aggregate classification (germline): Pathogenic/Likely pathogenic. Review status: criteria provided, multiple submitters, no conflicts (2 of 4 stars). 2 submissions from 2 submitters: Pathogenic (1); Likely pathogenic (1). Last evaluated 2015-09-04.

Conditions:
Autosomal recessive limb-girdle muscular dystrophy type 2B (LGMDR2). Also called: Limb-Girdle Muscular Dystrophy Type 2B (LGMD2B); MUSCULAR DYSTROPHY, LIMB-GIRDLE, AUTOSOMAL RECESSIVE 2; MUSCULAR DYSTROPHY, LIMB-GIRDLE, TYPE 3; Limb-girdle muscular dystrophy, type 2B. Identifiers: Orphanet 268, MedGen C1850889, MONDO:0009676, OMIM 253601.
Miyoshi muscular dystrophy 1 (MMD1). Identifiers: Orphanet 45448, MedGen C4551973, MONDO:0024545, OMIM 254130.
Distal myopathy with anterior tibial onset. Identifiers: Orphanet 178400, MedGen C1847532, MONDO:0011721, OMIM 606768.

Allele frequency attached by ClinVar (database versions not stated): gnomAD exomes below 0.00001.
gnomAD v4.1: 6 of 1,614,092 alleles (0.00037%); highest among the groups gnomAD compares: Admixed American, 0.0017%; no homozygotes.

Submissions (2):

Eurofins Ntd Llc (ga)
Classification: Pathogenic. Last evaluated: 2015-09-04. Review status: criteria provided, single submitter. Criteria: EGL Classification Definitions 2015. Collection method: clinical testing. Allele origin: germline. Observed: 1 variant allele, 1 heterozygote.

Juno Genomics, Hangzhou Juno Genomics, Inc
Classification: Likely pathogenic for Miyoshi muscular dystrophy 1; Autosomal recessive limb-girdle muscular dystrophy type 2B; Distal myopathy with anterior tibial onset. Review status: criteria provided, single submitter. Criteria: ACMG Guidelines, 2015. Collection method: clinical testing. Allele origin: germline.
Comment: Absent from controls (or at extremely low frequency if recessive) in Genome Aggregation Database.;Null variant in a gene where loss of function (LOF) is a known mechanism of disease.;For recessive disorders, detected in trans with a pathogenic variant.;Patient's phenotype or family history is highly specific for a disease with a single genetic etiology.

NM_001130987.2(DYSF):c.5174+1G>A

Gene: DYSF (dysferlin; plus strand). Cytogenetic location: 2p13.2.
Variant type: single nucleotide variant.
Coding change: c.5174+1G>A on transcript NM_001130987.2 (MANE Select); the canonical splice donor site of the intron after coding-DNA position 5174, G replaced by A.
Molecular consequence: splice donor variant.
Genome position (GRCh38, 1-based): chr2:71,664,439, G>A. VCF-style: chr2-71664439-G-A. GRCh37 (hg19) VCF-style: chr2-71891569-G-A.
Other names: c.5150+1G>A (NM_001130979.2); c.5171+1G>A (NM_001130981.2); c.5108+1G>A (NM_001130980.2); c.5120+1G>A (NM_001130978.2); c.5057+1G>A (NM_003494.4); c.5078+1G>A (NM_001130977.2); c.5015+1G>A (NM_001130976.2); c.5153+1G>A (NM_001130982.2); and 5 more.
Identifiers: ClinVar variation 283233 (VCV000283233.7), dbSNP rs886042581, ClinGen allele CA10604432.